The following is an entry in ClinVar:

NM_004525.3(LRP2):c.7515C>A (p.Arg2505=)

Gene: LRP2 (LDL receptor related protein 2; minus strand). Cytogenetic location: 2q31.1.
Variant type: single nucleotide variant.
Coding change: c.7515C>A on transcript NM_004525.3 (MANE Select); coding-DNA position 7515, C replaced by A.
Protein change: p.Arg2505=; no amino-acid change (arginine 2505 retained).
Molecular consequence: synonymous variant.
Genome position (GRCh38, 1-based): chr2:169,206,064, G>T on the plus strand (C>A on the coding strand, the complement: LRP2 is on the minus strand). VCF-style: chr2-169206064-G-T. GRCh37 (hg19) VCF-style: chr2-170062574-G-T.
Identifiers: ClinVar variation 1614192 (VCV001614192.32), dbSNP rs773316402, ClinGen allele CA429933646.

ClinVar aggregate classification (germline): Likely benign. Review status: criteria provided, multiple submitters, no conflicts (2 of 4 stars). 2 submissions from 2 submitters: Likely benign (2). Last evaluated 2024-02-01.

gnomAD v4.1: 9 of 1,614,182 alleles (0.00056%); highest among the groups gnomAD compares: Middle Eastern, 0.033%; no homozygotes.

Submissions (2):

Labcorp Genetics (formerly Invitae), Labcorp
Classification: Likely benign. Last evaluated: 2024-02-01. Review status: criteria provided, single submitter. Criteria: Invitae Variant Classification Sherloc (09022015). Collection method: clinical testing. Allele origin: germline.

CeGaT Center for Human Genetics Tuebingen
Classification: Likely benign. Last evaluated: 2023-10-01. Review status: criteria provided, single submitter. Criteria: CeGaT Center For Human Genetics Tuebingen Variant Classification Criteria Version 2. Collection method: clinical testing. Allele origin: germline. Affected: yes. Observed: 1 variant allele.
Comment: LRP2: BP4, BP7